The following is an entry in ClinVar:

ClinVar aggregate classification (germline): Pathogenic (1 of 4 stars; one submission).

Conditions:
Neonatal-onset encephalopathy with rigidity and seizures. Also called: Lethal neonatal spasticity-epileptic encephalopathy syndrome. Identifiers: Orphanet 435845, MedGen C3281029, MONDO:0013784, OMIM 614498.

Allele frequency attached by ClinVar (database versions not stated): gnomAD exomes below 0.00001; TOPMed below 0.00001; gnomAD 0.00001.

Submission:

Labcorp Genetics (formerly Invitae), Labcorp
Classification: Pathogenic for Neonatal-onset encephalopathy with rigidity and seizures. Last evaluated: 2024-11-11. Review status: criteria provided, single submitter. Criteria: Invitae Variant Classification Sherloc (09022015). Collection method: clinical testing. Allele origin: germline.
Comment: This sequence change creates a premature translational stop signal (p.Leu12Serfs*6) in the BRAT1 gene. It is expected to result in an absent or disrupted protein product. Loss-of-function variants in BRAT1 are known to be pathogenic (PMID: 22279524, 25500575). This variant is not present in population databases (gnomAD no frequency). This variant has not been reported in the literature in individuals affected with BRAT1-related conditions. ClinVar contains an entry for this variant (Variation ID: 1393495). For these reasons, this variant has been classified as Pathogenic.

Literature cited by the submitters: PubMed 22279524; PubMed 25500575.

NM_152743.4(BRAT1):c.34del (p.Leu12fs)

Gene: BRAT1 (BRCA1 associated ATM activator 1; minus strand). Cytogenetic location: 7p22.3.
Variant type: Deletion.
Coding change: c.34del on transcript NM_152743.4 (MANE Select); coding-DNA position 34, one base deleted (C; older notation c.34delC).
Protein change: p.Leu12fs; shifts the reading frame from leucine 12.
Molecular consequence: frameshift variant. On other transcripts: 5 prime UTR variant (1), non-coding transcript variant (1).
Genome position (GRCh38, 1-based): chr7:2,554,398, G deleted on the plus strand (C on the coding strand, the reverse complement: BRAT1 is on the minus strand). VCF-style (leftmost placement, unchanged base first): chr7-2554397-AG-A. GRCh37 (hg19) VCF-style: chr7-2594031-AG-A.
Other names: c.34del, p.Leu12fs (NM_001350626.2); c.-344del (NM_001350627.2); short protein forms L12fs.
Identifiers: ClinVar variation 1393495 (VCV001393495.7), dbSNP rs1780257580, ClinGen allele CA1097643084.